The following is an entry in ClinVar:

NM_003108.4(SOX11):c.871_872delinsAT (p.Ala291Met)

Gene: SOX11 (SRY-box transcription factor 11; plus strand). Cytogenetic location: 2p25.2.
Variant type: Indel.
Coding change: c.871_872delinsAT on transcript NM_003108.4 (MANE Select); coding-DNA positions 871 to 872, GC replaced by AT.
Protein change: p.Ala291Met; replaces alanine 291 with methionine.
Molecular consequence: missense variant.
Genome position (GRCh38, 1-based): chr2:5,693,592-5,693,593, GC replaced by AT. VCF-style: chr2-5693592-GC-AT. GRCh37 (hg19) VCF-style: chr2-5833724-GC-AT.
Other names: short protein forms A291M.
Identifiers: ClinVar variation 2867291 (VCV002867291.3), dbSNP rs2465088435, ClinGen allele CA2739274118.

ClinVar aggregate classification (germline): Uncertain significance (1 of 4 stars; one submission).

Submission:

Labcorp Genetics (formerly Invitae), Labcorp
Classification: Uncertain significance. Last evaluated: 2023-05-23. Review status: criteria provided, single submitter. Criteria: Invitae Variant Classification Sherloc (09022015). Collection method: clinical testing. Allele origin: germline.
Comment: In summary, the available evidence is currently insufficient to determine the role of this variant in disease. Therefore, it has been classified as a Variant of Uncertain Significance. An algorithm developed to predict the effect of missense changes on protein structure and function (PolyPhen-2) suggests that this variant is likely to be disruptive. This variant has not been reported in the literature in individuals affected with SOX11-related conditions. Information on the frequency of this variant in the gnomAD database is not available, as this variant may be reported differently in the database. This sequence change replaces alanine, which is neutral and non-polar, with methionine, which is neutral and non-polar, at codon 291 of the SOX11 protein (p.Ala291Met).